The following is an entry in ClinVar:

NM_014264.5(PLK4):c.257A>G (p.Tyr86Cys)

Gene: PLK4 (polo like kinase 4; plus strand). Cytogenetic location: 4q28.1.
Variant type: single nucleotide variant.
Coding change: c.257A>G on transcript NM_014264.5 (MANE Select); coding-DNA position 257, A replaced by G.
Protein change: p.Tyr86Cys; replaces tyrosine 86 with cysteine.
Molecular consequence: missense variant.
Genome position (GRCh38, 1-based): chr4:127,883,473, A>G. VCF-style: chr4-127883473-A-G. GRCh37 (hg19) VCF-style: chr4-128804628-A-G.
Other names: c.161A>G, p.Tyr54Cys (NM_001190799.2); c.134A>G, p.Tyr45Cys (NM_001190801.2); short protein forms Y45C, Y54C, Y86C.
Identifiers: ClinVar variation 1955819 (VCV001955819.2), dbSNP rs34156294, ClinGen allele CA3076538.
Genomic context (GRCh38, chr4:127,883,473, plus strand): 5'-ATTTATTATGCCCTTTCACATTTCAGCTTTATAACTATTTTGAAGATAGCAATTATGTGT[A>G]TCTGGTATTAGAAATGTGCCATAATGGAGAAATGAACAGGTATCTAAAGAATAGAGTGAA-3'
Protein context (NP_055079.3, residues 76-96): YNYFEDSNYV[Tyr86Cys]LVLEMCHNGE

ClinVar aggregate classification (germline): Uncertain significance (1 of 4 stars; one submission).

Allele frequency attached by ClinVar (database versions not stated): gnomAD exomes 0.00001; ExAC 0.00005; TOPMed 0.00005; 1000 Genomes Project 30x 0.00016.
gnomAD v4.1: 13 of 1,521,678 alleles (0.00085%); highest among the groups gnomAD compares: East Asian, 0.016%; no homozygotes.

Submission:

Labcorp Genetics (formerly Invitae), Labcorp
Classification: Uncertain significance. Last evaluated: 2022-03-27. Review status: criteria provided, single submitter. Criteria: Invitae Variant Classification Sherloc (09022015). Collection method: clinical testing. Allele origin: germline.
Comment: This sequence change replaces tyrosine, which is neutral and polar, with cysteine, which is neutral and slightly polar, at codon 86 of the PLK4 protein (p.Tyr86Cys). This variant is present in population databases (rs34156294, gnomAD 0.07%). This variant has not been reported in the literature in individuals affected with PLK4-related conditions. Algorithms developed to predict the effect of missense changes on protein structure and function (SIFT, PolyPhen-2, Align-GVGD) all suggest that this variant is likely to be disruptive. In summary, the available evidence is currently insufficient to determine the role of this variant in disease. Therefore, it has been classified as a Variant of Uncertain Significance.